The following is an entry in ClinVar:

ClinVar aggregate classification (germline): Uncertain significance. Review status: criteria provided, multiple submitters, no conflicts (2 of 4 stars). 2 submissions from 2 submitters: Uncertain significance (2). Last evaluated 2026-01-23.

Conditions:
Mucopolysaccharidosis, MPS-IV-B (MPS4B). Also called: Mucopolysaccharidosis Type IVB; Mucopolysaccharidosis Type IVB (Morquio B Disease); Mucopolysaccharidosis type IV B; Mucopolysaccharidosis type 4B; Mucopolysaccharidosis type IVB (Morquio); MPS IVB. Identifiers: Orphanet 309310, Orphanet 582, MedGen C0086652, MONDO:0009660, OMIM 253010.
GM1 gangliosidosis. Identifiers: Orphanet 354, MedGen C0085131, MONDO:0018149.
GLB1-related disorder. Also called: GLB1-related disorders. Identifiers: MedGen CN377807.

Submissions (2):

Myriad Genetics, Inc.
Classification: Uncertain significance for GLB1-related disorder. Last evaluated: 2026-01-23. Review status: criteria provided, single submitter. Criteria: Myriad Autosomal Dominant, Autosomal Recessive and X-Linked Classification Criteria (2023). Collection method: clinical testing. Allele origin: unknown.
Comment: NM_000404.2(GLB1):c.2006delA(N669Tfs*17) is a readthrough frameshift variant classified as a variant of uncertain significance in the context of GLB1-related disorders. N669Tfs*17 has not been observed in cases with relevant disease. Relevant functional assessments of this variant are not available in the literature. N669Tfs*17 has not been observed in referenced population frequency databases. In summary, there is insufficient evidence to classify NM_000404.2(GLB1):c.2006delA(N669Tfs*17) as pathogenic or benign. Please note: this variant was assessed in the context of healthy population screening.

Labcorp Genetics (formerly Invitae), Labcorp
Classification: Uncertain significance for Mucopolysaccharidosis, MPS-IV-B; GM1 gangliosidosis. Last evaluated: 2021-06-19. Review status: criteria provided, single submitter. Criteria: Invitae Variant Classification Sherloc (09022015). Collection method: clinical testing. Allele origin: germline.
Comment: This sequence change results in a frameshift in the GLB1 gene (p.Asn669Thrfs*17). While this is not anticipated to result in nonsense mediated decay, it is expected to disrupt the last 9 amino acid(s) of the GLB1 protein and extend the protein by 7 additional amino acid residues. This variant is not present in population databases (ExAC no frequency). This variant has not been reported in the literature in individuals with GLB1-related conditions. In summary, the available evidence is currently insufficient to determine the role of this variant in disease. Therefore, it has been classified as a Variant of Uncertain Significance.

NM_000404.4(GLB1):c.2006del (p.Asn669fs)

Gene: GLB1 (galactosidase beta 1; minus strand). Cytogenetic location: 3p22.3.
Variant type: Deletion.
Coding change: c.2006del on transcript NM_000404.4 (MANE Select); coding-DNA position 2006, one base deleted (A; older notation c.2006delA).
Protein change: p.Asn669fs; shifts the reading frame from asparagine 669.
Molecular consequence: frameshift variant. On other transcripts: intron variant (1).
Genome position (GRCh38, 1-based): chr3:32,997,073, T deleted on the plus strand (A on the coding strand, the reverse complement: GLB1 is on the minus strand); the first of 7 consecutive T bases (chr3:32,997,073-32,997,079); deleting any one gives the same sequence. VCF-style (leftmost placement, unchanged base first): chr3-32997072-GT-G. GRCh37 (hg19) VCF-style: chr3-33038564-GT-G.
Other names: c.1916del, p.Asn639fs (NM_001079811.3); c.1613del, p.Asn538fs (NM_001135602.3); c.2150del, p.Asn717fs (NM_001317040.2); c.1734+16983del (NM_001393580.1); short protein forms N639fs, N669fs, N538fs, N717fs.
Identifiers: ClinVar variation 1473458 (VCV001473458.7), dbSNP rs759633494, ClinGen allele CA2573136201.